The following is an entry in ClinVar:

ClinVar aggregate classification (germline): Conflicting classifications of pathogenicity. Review status: criteria provided, conflicting classifications (1 of 4 stars). 2 submissions from 2 submitters: Uncertain significance (1); Likely benign (1). Last evaluated 2025-10-21.

Conditions:
Inborn genetic diseases. Identifiers: MedGen C0950123, MeSH D030342.
Cataract 18 (CATC2). Also called: CATARACT 18, AUTOSOMAL RECESSIVE. Identifiers: Orphanet 91492, Orphanet 98991, Orphanet 98992, Orphanet 98995, MedGen C1864908, MONDO:0012395, OMIM 610019.

gnomAD v4.1: 19 of 1,613,758 alleles (0.0012%); highest among the groups gnomAD compares: African/African-American, 0.0067%; no homozygotes.

Submissions (2):

Ambry Genetics
Classification: Likely benign for Inborn genetic diseases. Last evaluated: 2025-10-21. Review status: criteria provided, single submitter. Criteria: Ambry Variant Classification Scheme 2023. Collection method: clinical testing. Allele origin: germline.

Labcorp Genetics (formerly Invitae), Labcorp
Classification: Uncertain significance for Cataract 18. Last evaluated: 2025-08-20. Review status: criteria provided, single submitter. Criteria: Invitae Variant Classification Sherloc (09022015). Collection method: clinical testing. Allele origin: germline.
Comment: This sequence change replaces alanine, which is neutral and non-polar, with threonine, which is neutral and polar, at codon 983 of the FYCO1 protein (p.Ala983Thr). This variant is present in population databases (rs139192007, gnomAD 0.004%). This variant has not been reported in the literature in individuals affected with FYCO1-related conditions. ClinVar contains an entry for this variant (Variation ID: 3708433). Invitae Evidence Modeling of protein sequence and biophysical properties (such as structural, functional, and spatial information, amino acid conservation, physicochemical variation, residue mobility, and thermodynamic stability) indicates that this missense variant is not expected to disrupt FYCO1 protein function with a negative predictive value of 80%. In summary, the available evidence is currently insufficient to determine the role of this variant in disease. Therefore, it has been classified as a Variant of Uncertain Significance.

NM_024513.4(FYCO1):c.2947G>A (p.Ala983Thr)

Gene: FYCO1 (FYVE and coiled-coil domain autophagy adaptor 1; minus strand). Cytogenetic location: 3p21.31.
Variant type: single nucleotide variant.
Coding change: c.2947G>A on transcript NM_024513.4 (MANE Select); coding-DNA position 2947, G replaced by A.
Protein change: p.Ala983Thr; replaces alanine 983 with threonine.
Molecular consequence: missense variant. On other transcripts: non-coding transcript variant (1).
Genome position (GRCh38, 1-based): chr3:45,966,387, C>T on the plus strand (G>A on the coding strand, the complement: FYCO1 is on the minus strand). VCF-style: chr3-45966387-C-T. GRCh37 (hg19) VCF-style: chr3-46007879-C-T.
Other names: c.2947G>A (NM_024513.2); c.2947G>A, p.Ala983Thr (NM_001386421.1, NM_001386422.1, NM_001386423.1 and 4 more transcripts); c.2827G>A, p.Ala943Thr (NM_001386426.1); c.2803G>A, p.Ala935Thr (NM_001386427.1); c.2347G>A, p.Ala783Thr (NM_001386430.1); short protein forms A943T, A783T, A983T, A935T.
Identifiers: ClinVar variation 3708433 (VCV003708433.3).